The following is an entry in ClinVar:

ClinVar aggregate classification (germline): Uncertain significance (1 of 4 stars; one submission).

Conditions:
Epidermodysplasia verruciformis. Identifiers: Orphanet 302, MedGen C0014522, MONDO:0009176.

Submission:

Labcorp Genetics (formerly Invitae), Labcorp
Classification: Uncertain significance for Epidermodysplasia verruciformis. Last evaluated: 2022-07-19. Review status: criteria provided, single submitter. Criteria: Invitae Variant Classification Sherloc (09022015). Collection method: clinical testing. Allele origin: germline.
Comment: This sequence change replaces alanine, which is neutral and non-polar, with glutamic acid, which is acidic and polar, at codon 480 of the TMC8 protein (p.Ala480Glu). This variant is present in population databases (rs199577034, gnomAD 0.002%). This variant has not been reported in the literature in individuals affected with TMC8-related conditions. Algorithms developed to predict the effect of missense changes on protein structure and function output the following: SIFT: "Tolerated"; PolyPhen-2: "Benign"; Align-GVGD: "Class C0". The glutamic acid amino acid residue is found in multiple mammalian species, which suggests that this missense change does not adversely affect protein function. In summary, the available evidence is currently insufficient to determine the role of this variant in disease. Therefore, it has been classified as a Variant of Uncertain Significance.

NM_152468.5(TMC8):c.1439C>A (p.Ala480Glu)

Gene: TMC8 (transmembrane channel like 8; plus strand). Cytogenetic location: 17q25.3.
Variant type: single nucleotide variant.
Coding change: c.1439C>A on transcript NM_152468.5 (MANE Select); coding-DNA position 1439, C replaced by A.
Protein change: p.Ala480Glu; replaces alanine 480 with glutamic acid.
Molecular consequence: missense variant.
Genome position (GRCh38, 1-based): chr17:78,138,094, C>A. VCF-style: chr17-78138094-C-A. GRCh37 (hg19) VCF-style: chr17-76134175-C-A.
Other names: short protein forms A480E.
Identifiers: ClinVar variation 2080678 (VCV002080678.1), dbSNP rs199577034, ClinGen allele CA8796868.